The following is an entry in ClinVar:

NM_001367561.1(DOCK7):c.773A>G (p.Lys258Arg)

Gene: DOCK7 (dedicator of cytokinesis 7; minus strand). Cytogenetic location: 1p31.3.
Variant type: single nucleotide variant.
Coding change: c.773A>G on transcript NM_001367561.1 (MANE Select); coding-DNA position 773, A replaced by G.
Protein change: p.Lys258Arg; replaces lysine 258 with arginine.
Molecular consequence: missense variant.
Genome position (GRCh38, 1-based): chr1:62,647,736, T>C on the plus strand (A>G on the coding strand, the complement: DOCK7 is on the minus strand). VCF-style: chr1-62647736-T-C. GRCh37 (hg19) VCF-style: chr1-63113407-T-C.
Other names: c.773A>G, p.Lys258Arg (NM_001271999.2, NM_001272000.2, NM_001272001.2 and 3 more transcripts); c.773A>G (NM_001271999.1); short protein forms K258R.
Identifiers: ClinVar variation 4617845 (VCV004617845.2).

ClinVar aggregate classification (germline): Uncertain significance. Review status: criteria provided, multiple submitters, no conflicts (2 of 4 stars). 2 submissions from 2 submitters: Uncertain significance (2). Last evaluated 2025-12-04.

Conditions:
Inborn genetic diseases. Identifiers: MedGen C0950123, MeSH D030342.
DOCK7-related disorder. Also called: DOCK7-related condition.

gnomAD v4.1: 1 of 1,610,538 alleles (0.000062%); highest among the groups gnomAD compares: Admixed American, 0.0017%; no homozygotes.

Submissions (2):

Ambry Genetics
Classification: Uncertain significance for Inborn genetic diseases. Last evaluated: 2025-12-04. Review status: criteria provided, single submitter. Criteria: Ambry Variant Classification Scheme 2023. Collection method: clinical testing. Allele origin: germline.

PreventionGenetics, part of Exact Sciences
Classification: Uncertain significance for DOCK7-related condition. Last evaluated: 2025-04-18. Review status: criteria provided, single submitter. Criteria: ACMG Guidelines, 2015. Collection method: clinical testing. Allele origin: germline.
Comment: The DOCK7 c.773A>G variant is predicted to result in the amino acid substitution p.Lys258Arg. To our knowledge, this variant has not been reported in the literature or in a large population database (gnomAD), indicating this variant is rare. At this time, the clinical significance of this variant is uncertain due to the absence of conclusive functional and genetic evidence.